The following is an entry in ClinVar:

NM_023036.6(DNAI2):c.*13G>A

Gene: DNAI2 (dynein axonemal intermediate chain 2; plus strand). Cytogenetic location: 17q25.1.
Variant type: single nucleotide variant.
Coding change: c.*13G>A on transcript NM_023036.6 (MANE Select); 13 bases downstream of the stop codon, G replaced by A.
Molecular consequence: 3 prime UTR variant. On other transcripts: non-coding transcript variant (1).
Genome position (GRCh38, 1-based): chr17:74,314,229, G>A. VCF-style: chr17-74314229-G-A. GRCh37 (hg19) VCF-style: chr17-72310368-G-A.
Other names: c.*13G>A (NM_001172810.3, NM_001353167.2).
Identifiers: ClinVar variation 228612 (VCV000228612.4), dbSNP rs751438337, ClinGen allele CA8745930.

ClinVar aggregate classification (germline): Uncertain significance (1 of 4 stars; one submission).

Allele frequency attached by ClinVar (database versions not stated): gnomAD 0.00011; TOPMed 0.00013.
gnomAD v4.1: 447 of 1,613,746 alleles (0.028%); highest among the groups gnomAD compares: Non-Finnish European, 0.037%; no homozygotes.

Submission:

Laboratory for Molecular Medicine, Mass General Brigham Personalized Medicine
Classification: Uncertain significance. Last evaluated: 2015-12-16. Review status: criteria provided, single submitter. Criteria: LMM Criteria. Collection method: clinical testing. Allele origin: germline. Observed: 1 variant allele.
Comment: ExAC MAF = 0.02% (European)